The following is an entry in ClinVar:

NM_182961.4(SYNE1):c.12941T>C (p.Val4314Ala)

Gene: SYNE1 (spectrin repeat containing nuclear envelope protein 1; minus strand). Cytogenetic location: 6q25.2.
Variant type: single nucleotide variant.
Coding change: c.12941T>C on transcript NM_182961.4 (MANE Select); coding-DNA position 12941, T replaced by C.
Protein change: p.Val4314Ala; replaces valine 4314 with alanine.
Molecular consequence: missense variant.
Genome position (GRCh38, 1-based): chr6:152,331,744, A>G on the plus strand (T>C on the coding strand, the complement: SYNE1 is on the minus strand). VCF-style: chr6-152331744-A-G. GRCh37 (hg19) VCF-style: chr6-152652879-A-G.
Other names: c.12728T>C, p.Val4243Ala (NM_033071.5); short protein forms V4314A, V4243A.
Identifiers: ClinVar variation 1395979 (VCV001395979.6), dbSNP rs2153974951, ClinGen allele CA366104719.

ClinVar aggregate classification (germline): Uncertain significance (1 of 4 stars; one submission).

Conditions:
Emery-Dreifuss muscular dystrophy 4, autosomal dominant (EDMD4). Also called: EMERY-DREIFUSS MUSCULAR DYSTROPHY 4 WITH VARIABLE FEATURES. Identifiers: Orphanet 261, MedGen C2751807, MONDO:0013071, OMIM 612998.
Autosomal recessive ataxia, Beauce type. Also called: SYNE1-Related Autosomal Recessive Cerebellar Ataxia; Spinocerebellar ataxia, autosomal recessive 8; ATAXIA, RECESSIVE, OF BEAUCE; SYNE1 Deficiency. Identifiers: Orphanet 88644, MedGen C1853116, MONDO:0012549, OMIM 610743.

Submission:

Labcorp Genetics (formerly Invitae), Labcorp
Classification: Uncertain significance for Emery-Dreifuss muscular dystrophy 4, autosomal dominant; Autosomal recessive ataxia, Beauce type. Last evaluated: 2022-10-25. Review status: criteria provided, single submitter. Criteria: Invitae Variant Classification Sherloc (09022015). Collection method: clinical testing. Allele origin: germline.
Comment: This sequence change replaces valine, which is neutral and non-polar, with alanine, which is neutral and non-polar, at codon 4243 of the SYNE1 protein (p.Val4243Ala). This variant is not present in population databases (gnomAD no frequency). This variant has not been reported in the literature in individuals affected with SYNE1-related conditions. ClinVar contains an entry for this variant (Variation ID: 1395979). Algorithms developed to predict the effect of missense changes on protein structure and function are either unavailable or do not agree on the potential impact of this missense change (SIFT: "Deleterious"; PolyPhen-2: "Benign"; Align-GVGD: "Class C25"). In summary, the available evidence is currently insufficient to determine the role of this variant in disease. Therefore, it has been classified as a Variant of Uncertain Significance.